The following is an entry in ClinVar:

ClinVar aggregate classification (germline): Uncertain significance (1 of 4 stars; one submission).

Conditions:
Fanconi anemia (FA). Also called: Fanconi's anemia. Identifiers: Orphanet 84, MedGen C0015625, MeSH D005199, MONDO:0019391.

Allele frequency attached by ClinVar (database versions not stated): gnomAD exomes below 0.00001.
gnomAD v4.1: 1 of 1,613,696 alleles (0.000062%); highest among the groups gnomAD compares: Non-Finnish European, 0.000085%; no homozygotes.

Submission:

Labcorp Genetics (formerly Invitae), Labcorp
Classification: Uncertain significance for Fanconi anemia. Last evaluated: 2022-06-12. Review status: criteria provided, single submitter. Criteria: Invitae Variant Classification Sherloc (09022015). Collection method: clinical testing. Allele origin: germline.
Comment: This variant is not present in population databases (gnomAD no frequency). In summary, the available evidence is currently insufficient to determine the role of this variant in disease. Therefore, it has been classified as a Variant of Uncertain Significance. Algorithms developed to predict the effect of missense changes on protein structure and function output the following: SIFT: "Deleterious"; PolyPhen-2: "Benign"; Align-GVGD: "Class C0". The isoleucine amino acid residue is found in multiple mammalian species, which suggests that this missense change does not adversely affect protein function. This variant has not been reported in the literature in individuals affected with FANCM-related conditions. This sequence change replaces methionine, which is neutral and non-polar, with isoleucine, which is neutral and non-polar, at codon 768 of the FANCM protein (p.Met768Ile).

NM_020937.4(FANCM):c.2304G>A (p.Met768Ile)

Gene: FANCM (FA complementation group M; plus strand). Cytogenetic location: 14q21.2.
Variant type: single nucleotide variant.
Coding change: c.2304G>A on transcript NM_020937.4 (MANE Select); coding-DNA position 2304, G replaced by A.
Protein change: p.Met768Ile; replaces methionine 768 with isoleucine.
Molecular consequence: missense variant.
Genome position (GRCh38, 1-based): chr14:45,173,198, G>A. VCF-style: chr14-45173198-G-A. GRCh37 (hg19) VCF-style: chr14-45642401-G-A.
Other names: c.2226G>A, p.Met742Ile (NM_001308133.2); short protein forms M742I, M768I.
Identifiers: ClinVar variation 2156601 (VCV002156601.4), dbSNP rs986973025, ClinGen allele CA259626839.